The following is an entry in ClinVar:

NM_005219.5(DIAPH1):c.2593G>C (p.Gly865Arg)

Gene: DIAPH1 (diaphanous related formin 1; minus strand). Cytogenetic location: 5q31.3.
Variant type: single nucleotide variant.
Coding change: c.2593G>C on transcript NM_005219.5 (MANE Select); coding-DNA position 2593, G replaced by C.
Protein change: p.Gly865Arg; replaces glycine 865 with arginine.
Molecular consequence: missense variant.
Genome position (GRCh38, 1-based): chr5:141,529,686, C>G on the plus strand (G>C on the coding strand, the complement: DIAPH1 is on the minus strand). VCF-style: chr5-141529686-C-G. GRCh37 (hg19) VCF-style: chr5-140909253-C-G.
Other names: c.2566G>C, p.Gly856Arg (NM_001079812.3); c.2593G>C, p.Gly865Arg (NM_001314007.2); short protein forms G856R, G865R.
Identifiers: ClinVar variation 4784859 (VCV004784859.1).
Genomic context (GRCh38, chr5:141,529,686, plus strand): 5'-CAGCCTCATTCACCTCCAGGATGACATTCTTAATCTCTTGATAGGGCATGCGGAAGGAAC[C>G]CAAAAAGATTGCTGCCAGAAAATGAGATATTAAGACATGTTCTTCTCGGTCTGTTCCCGC-3'
Protein context (NP_005210.3, residues 855-875): KTAQNLSIFL[Gly865Arg]SFRMPYQEIK

ClinVar aggregate classification (germline): Uncertain significance (1 of 4 stars; one submission).

Conditions:
Progressive microcephaly-seizures-cortical blindness-developmental delay syndrome. Also called: Seizures, cortical blindness, and microcephaly syndrome. Identifiers: Orphanet 477814, MedGen C5567650, MONDO:0014714, OMIM 616632.
Autosomal dominant nonsyndromic hearing loss 1. Also called: DEAFNESS, AUTOSOMAL DOMINANT 1, WITH OR WITHOUT THROMBOCYTOPENIA; KONIGSMARK SYNDROME. Identifiers: Orphanet 90635, MedGen C1852282, MONDO:0007424, OMIM 124900.

Submission:

Labcorp Genetics (formerly Invitae), Labcorp
Classification: Uncertain significance for Progressive microcephaly-seizures-cortical blindness-developmental delay syndrome; Autosomal dominant nonsyndromic hearing loss 1. Last evaluated: 2025-08-25. Review status: criteria provided, single submitter. Criteria: Invitae Variant Classification Sherloc (09022015). Collection method: clinical testing. Allele origin: germline.
Comment: This sequence change replaces glycine, which is neutral and non-polar, with arginine, which is basic and polar, at codon 865 of the DIAPH1 protein (p.Gly865Arg). This variant is not present in population databases (gnomAD no frequency). This variant has not been reported in the literature in individuals affected with DIAPH1-related conditions. An algorithm developed to predict the effect of missense changes on protein structure and function (PolyPhen-2) suggests that this variant is likely to be disruptive. In summary, the available evidence is currently insufficient to determine the role of this variant in disease. Therefore, it has been classified as a Variant of Uncertain Significance.